The following is an entry in ClinVar:

ClinVar aggregate classification (germline): Likely pathogenic (1 of 4 stars; one submission).

Submission:

GeneDx
Classification: Likely pathogenic. Last evaluated: 2020-04-06. Review status: criteria provided, single submitter. Criteria: GeneDx Variant Classification Process June 2021. Collection method: clinical testing. Allele origin: germline. Affected: yes.
Comment: Not observed in large population cohorts (Lek et al., 2016); In silico analysis supports that this missense variant has a deleterious effect on protein structure/function; This variant is associated with the following publications: (PMID: 24473263, 22035805, 22286749, 26156380, 22345085, 25250524, 22803682, 27821467, 30316835, 27085813, 30416015, 28381558, 30569495)

NM_001365536.1(SCN9A):c.2600G>A (p.Gly867Asp)

Genes: SCN1A-AS1 (SCN1A and SCN9A antisense RNA 1; plus strand), SCN9A (sodium voltage-gated channel alpha subunit 9; minus strand). Cytogenetic location: 2q24.3.
Variant type: single nucleotide variant.
Coding change: c.2600G>A on transcript NM_001365536.1 (MANE Select); coding-DNA position 2600, G replaced by A.
Protein change: p.Gly867Asp; replaces glycine 867 with aspartic acid.
Molecular consequence: missense variant.
Genome position (GRCh38, 1-based): chr2:166,277,257, C>T on the plus strand (G>A on the coding strand, the complement: SCN9A is on the minus strand). VCF-style: chr2-166277257-C-T. GRCh37 (hg19) VCF-style: chr2-167133767-C-T.
Other names: c.2567G>A, p.Gly856Asp (NM_002977.4); short protein forms G856D, G867D.
Identifiers: ClinVar variation 246105 (VCV000246105.3), dbSNP rs879254102, ClinGen allele CA10584165.